The following is an entry in ClinVar:

ClinVar aggregate classification (germline): Uncertain significance (1 of 4 stars; one submission).

Conditions:
Autosomal recessive polycystic kidney disease (ARPKD). Also called: AR polycystic kidney disease. Identifiers: Orphanet 731, Orphanet 8378, MedGen C0085548, MeSH D017044, MONDO:0009889.

Submission:

Labcorp Genetics (formerly Invitae), Labcorp
Classification: Uncertain significance for Autosomal recessive polycystic kidney disease. Last evaluated: 2022-03-19. Review status: criteria provided, single submitter. Criteria: Invitae Variant Classification Sherloc (09022015). Collection method: clinical testing. Allele origin: germline.
Comment: This variant has not been reported in the literature in individuals affected with PKHD1-related conditions. Advanced modeling of protein sequence and biophysical properties (such as structural, functional, and spatial information, amino acid conservation, physicochemical variation, residue mobility, and thermodynamic stability) performed at Invitae indicates that this missense variant is not expected to disrupt PKHD1 protein function. In summary, the available evidence is currently insufficient to determine the role of this variant in disease. Therefore, it has been classified as a Variant of Uncertain Significance. This variant is not present in population databases (gnomAD no frequency). This sequence change replaces serine, which is neutral and polar, with arginine, which is basic and polar, at codon 377 of the PKHD1 protein (p.Ser377Arg).

NM_138694.4(PKHD1):c.1131T>G (p.Ser377Arg)

Gene: PKHD1 (PKHD1 ciliary IPT domain containing fibrocystin/polyductin; minus strand). Cytogenetic location: 6p12.2.
Variant type: single nucleotide variant.
Coding change: c.1131T>G on transcript NM_138694.4 (MANE Select); coding-DNA position 1131, T replaced by G.
Protein change: p.Ser377Arg; replaces serine 377 with arginine.
Molecular consequence: missense variant.
Genome position (GRCh38, 1-based): chr6:52,060,030, A>C on the plus strand (T>G on the coding strand, the complement: PKHD1 is on the minus strand). VCF-style: chr6-52060030-A-C. GRCh37 (hg19) VCF-style: chr6-51924828-A-C.
Other names: c.1131T>G, p.Ser377Arg (NM_170724.3); short protein forms S377R.
Identifiers: ClinVar variation 2178585 (VCV002178585.4), dbSNP rs754777157, ClinGen allele CA364427759.
Genomic context (GRCh38, chr6:52,060,030, plus strand): 5'-TTGGCTATCTGCCTGAATCCAGAAAGTGTAATTATTTGTCTCTGGAGCCACAAAGAACCC[A>C]CTGAGCCGTGCTCTGTAAAGTAGAACATAGAGTCAAGCAAGAGTAACCAAGGCCTGAATC-3'
Protein context (NP_619639.3, residues 367-387): QEGQPFRARL[Ser377Arg]GFFVAPETNN